The following is an entry in ClinVar:

NM_006565.4(CTCF):c.1409G>A (p.Arg470His)

Gene: CTCF (CCCTC-binding factor; plus strand). Cytogenetic location: 16q22.1.
Variant type: single nucleotide variant.
Coding change: c.1409G>A on transcript NM_006565.4 (MANE Select); coding-DNA position 1409, G replaced by A.
Protein change: p.Arg470His; replaces arginine 470 with histidine.
Molecular consequence: missense variant.
Genome position (GRCh38, 1-based): chr16:67,626,606, G>A. VCF-style: chr16-67626606-G-A. GRCh37 (hg19) VCF-style: chr16-67660509-G-A.
Other names: c.425G>A, p.Arg142His (NM_001191022.2); c.1409G>A, p.Arg470His (NM_001363916.2); short protein forms R142H, R470H.
Identifiers: ClinVar variation 986078 (VCV000986078.4), dbSNP rs1259626314, ClinGen allele CA396317575.

ClinVar aggregate classification (germline): Uncertain significance (1 of 4 stars; one submission).

Conditions:
Inborn genetic diseases. Identifiers: MedGen C0950123, MeSH D030342.

Allele frequency attached by ClinVar (database versions not stated): gnomAD 0.00001; gnomAD exomes below 0.00001; TOPMed below 0.00001.
gnomAD v4.1: 3 of 1,566,814 alleles (0.00019%); highest among the groups gnomAD compares: African/African-American, 0.0014%; no homozygotes.

Submission:

Ambry Genetics
Classification: Uncertain significance for Inborn genetic diseases. Last evaluated: 2020-03-06. Review status: criteria provided, single submitter. Criteria: Ambry Variant Classification Scheme 2023. Collection method: clinical testing. Allele origin: germline.
Comment: The alteration results in an amino acid change:_x000D_ _x000D_ The c.1409G>A (p.R470H) alteration is located in exon 8 (coding exon 6) of the CTCF gene. This alteration results from a G to A substitution at nucleotide position 1409, causing the arginine (R) at amino acid position 470 to be replaced by a histidine (H). The alteration is rare in population databases:_x000D_ _x000D_ Based on data from the Genome Aggregation Database (gnomAD), the c.1409G>A alteration was observed in 0.003% (1/31400) of total alleles studied, The altered amino acid is conserved throughout evolution:_x000D_ _x000D_ The R470 amino acid is conserved in available vertebrate species. The alteration is predicted benign by in silico models:_x000D_ _x000D_ The R470H alteration is predicted to be tolerated by in silico analysis. Based on insufficient or conflicting evidence, the clinical significance of this alteration remains unclear.